The following is an entry in ClinVar:

NM_000642.3(AGL):c.1939G>A (p.Val647Ile)

Gene: AGL (amylo-alpha-1,6-glucosidase and 4-alpha-glucanotransferase; plus strand). Cytogenetic location: 1p21.2.
Variant type: single nucleotide variant.
Coding change: c.1939G>A on transcript NM_000642.3 (MANE Select); coding-DNA position 1939, G replaced by A.
Protein change: p.Val647Ile; replaces valine 647 with isoleucine.
Molecular consequence: missense variant.
Genome position (GRCh38, 1-based): chr1:99,881,115, G>A. VCF-style: chr1-99881115-G-A. GRCh37 (hg19) VCF-style: chr1-100346671-G-A.
Other names: c.1939G>A, p.Val647Ile (NM_000028.3, NM_000643.3, NM_000644.3 and 2 more transcripts); c.1891G>A, p.Val631Ile (NM_000646.3); c.1738G>A, p.Val580Ile (NM_001425327.1); c.1735G>A, p.Val579Ile (NM_001425328.1, NM_001425329.1); c.1561G>A, p.Val521Ile (NM_001425332.1); short protein forms V647I, V631I, V521I, V579I, V580I.
Identifiers: ClinVar variation 573192 (VCV000573192.12), dbSNP rs770836797, ClinGen allele CA966647.

ClinVar aggregate classification (germline): Uncertain significance. Review status: criteria provided, multiple submitters, no conflicts (2 of 4 stars). 4 submissions from 4 submitters: Uncertain significance (3). 1 of the submissions does not count toward it. Last evaluated 2024-11-22.

Conditions:
Glycogen storage disease type III (GSD3). Also called: FORBES DISEASE; Cori disease. Identifiers: Orphanet 366, MedGen C0017922, MONDO:0009291, OMIM 232400.

Allele frequency attached by ClinVar (database versions not stated): gnomAD 0.00001; gnomAD exomes 0.00001 and 0.00003; TOPMed 0.00001; ExAC 0.00003.
gnomAD v4.1: 17 of 1,613,804 alleles (0.0011%); highest among the groups gnomAD compares: South Asian, 0.014%; no homozygotes.

Submissions (4):

Labcorp Genetics (formerly Invitae), Labcorp
Classification: Uncertain significance for Glycogen storage disease type III. Last evaluated: 2024-11-22. Review status: criteria provided, single submitter. Criteria: Invitae Variant Classification Sherloc (09022015). Collection method: clinical testing. Allele origin: germline.
Comment: This sequence change replaces valine, which is neutral and non-polar, with isoleucine, which is neutral and non-polar, at codon 647 of the AGL protein (p.Val647Ile). This variant is present in population databases (rs770836797, gnomAD 0.03%). This variant has not been reported in the literature in individuals affected with AGL-related conditions. ClinVar contains an entry for this variant (Variation ID: 573192). Invitae Evidence Modeling of protein sequence and biophysical properties (such as structural, functional, and spatial information, amino acid conservation, physicochemical variation, residue mobility, and thermodynamic stability) indicates that this missense variant is not expected to disrupt AGL protein function with a negative predictive value of 80%. In summary, the available evidence is currently insufficient to determine the role of this variant in disease. Therefore, it has been classified as a Variant of Uncertain Significance.

Blueprint Genetics
Classification: Uncertain significance. Last evaluated: 2024-07-08. Review status: criteria provided, single submitter. Criteria: ACMG Guidelines, 2015. Collection method: clinical testing. Allele origin: germline.

Neuberg Centre For Genomic Medicine, NCGM
Classification: Uncertain significance for Glycogen storage disease type III. Review status: criteria provided, single submitter. Criteria: ACMG Guidelines, 2015. Collection method: clinical testing. Allele origin: germline. Inheritance: Autosomal recessive inheritance. Affected: yes.
Comment: The missense c.1939G>Ap.Val647Ile variant in AGL gene has not been reported previously as a pathogenic variant nor a benign variant, to our knowledge. The p.Val647Ile variant has been reported with allele frequency of 0.003% in gnomAD Exomes and is novel not in any individuals in 1000 Genomes. This variant has been reported to the ClinVar database as Uncertain Significance. The amino acid change p.Val647Ile in AGL is predicted as conserved by GERP++ and PhyloP across 100 vertebrates. The amino acid Val at position 647 is changed to a Ile changing protein sequence and it might alter its composition and physico-chemical properties. For these reasons, this variant has been classified as a Variant of Uncertain Significance VUS.

Natera, Inc.
Classification: Uncertain significance for Glycogen storage disease type III. Last evaluated: 2019-10-28. Review status: no assertion criteria provided. Collection method: clinical testing. Allele origin: germline. Not counted in ClinVar's aggregate classification.